The following is an entry in ClinVar:

NM_000307.5(POU3F4):c.683del (p.Ser228fs)

Gene: POU3F4 (POU class 3 homeobox 4; plus strand). Cytogenetic location: Xq21.1.
Variant type: Deletion.
Coding change: c.683del on transcript NM_000307.5 (MANE Select); coding-DNA position 683, one base deleted (C; older notation c.683delC).
Protein change: p.Ser228fs; shifts the reading frame from serine 228.
Molecular consequence: frameshift variant.
Genome position (GRCh38, 1-based): chrX:83,509,007, C deleted. VCF-style (leftmost placement, unchanged base first): chrX-83509006-TC-T. GRCh37 (hg19) VCF-style: chrX-82764014-TC-T.
Other names: short protein forms S228fs.
Identifiers: ClinVar variation 3601671 (VCV003601671.1).

ClinVar aggregate classification (germline): Pathogenic (1 of 4 stars; one submission).

Conditions:
X-linked mixed hearing loss with perilymphatic gusher. Also called: Deafness, X-linked 2; NANCE DEAFNESS; PERILYMPHATIC GUSHER-DEAFNESS SYNDROME; SENSORINEURAL DEAFNESS, PROFOUND, WITH OR WITHOUT A CONDUCTIVE COMPONENT, ASSOCIATED WITH A UNIQUE DEVELOPMENTAL ABNORMALITY OF THE EAR; Gusher syndrome. Identifiers: Orphanet 383, MedGen C1844678, MONDO:0010576, OMIM 304400.

Submission:

Institute of Rare Diseases, West China Hospital, Sichuan University
Classification: Pathogenic for X-linked mixed hearing loss with perilymphatic gusher. Last evaluated: 2025-01-09. Review status: criteria provided, single submitter. Criteria: ClinGen HL ACMG Specifications v1. Collection method: research. Allele origin: germline. Affected: yes.
Comment: PM1;PVS1;PM3_Supporting;PM2_Supporting